The following is an entry in ClinVar:

NM_020778.5(ALPK3):c.4598G>T (p.Arg1533Leu)

Gene: ALPK3 (alpha kinase 3; plus strand). Cytogenetic location: 15q25.3.
Variant type: single nucleotide variant.
Coding change: c.4598G>T on transcript NM_020778.5 (MANE Select); coding-DNA position 4598, G replaced by T.
Protein change: p.Arg1533Leu; replaces arginine 1533 with leucine.
Molecular consequence: missense variant.
Genome position (GRCh38, 1-based): chr15:84,864,540, G>T. VCF-style: chr15-84864540-G-T. GRCh37 (hg19) VCF-style: chr15-85407771-G-T.
Other names: short protein forms R1533L.
Identifiers: ClinVar variation 1310840 (VCV001310840.7), dbSNP rs776664645, ClinGen allele CA393365036.

ClinVar aggregate classification (germline): Uncertain significance. Review status: criteria provided, multiple submitters, no conflicts (2 of 4 stars). 3 submissions from 3 submitters: Uncertain significance (3). Last evaluated 2025-12-23.

Conditions:
Cardiovascular phenotype. Identifiers: MedGen CN230736.

Submissions (3):

Labcorp Genetics (formerly Invitae), Labcorp
Classification: Uncertain significance. Last evaluated: 2025-12-23. Review status: criteria provided, single submitter. Criteria: Invitae Variant Classification Sherloc (09022015). Collection method: clinical testing. Allele origin: germline.
Comment: This sequence change replaces arginine, which is basic and polar, with leucine, which is neutral and non-polar, at codon 1735 of the ALPK3 protein (p.Arg1735Leu). This variant is not present in population databases (gnomAD no frequency). This variant has not been reported in the literature in individuals affected with ALPK3-related conditions. ClinVar contains an entry for this variant (Variation ID: 1310840). Invitae Evidence Modeling of protein sequence and biophysical properties (such as structural, functional, and spatial information, amino acid conservation, physicochemical variation, residue mobility, and thermodynamic stability) indicates that this missense variant is expected to disrupt ALPK3 protein function with a positive predictive value of 80%. In summary, the available evidence is currently insufficient to determine the role of this variant in disease. Therefore, it has been classified as a Variant of Uncertain Significance.

Ambry Genetics
Classification: Uncertain significance for Cardiovascular phenotype. Last evaluated: 2023-02-05. Review status: criteria provided, single submitter. Criteria: Ambry Variant Classification Scheme 2023. Collection method: clinical testing. Allele origin: germline.
Comment: The p.R1735L variant (also known as c.5204G>T), located in coding exon 12 of the ALPK3 gene, results from a G to T substitution at nucleotide position 5204. The arginine at codon 1735 is replaced by leucine, an amino acid with dissimilar properties. This amino acid position is conserved. In addition, this alteration is predicted to be tolerated by in silico analysis. Since supporting evidence is limited at this time, the clinical significance of this alteration remains unclear.

GeneDx
Classification: Uncertain significance. Last evaluated: 2019-12-04. Review status: criteria provided, single submitter. Criteria: GeneDx Variant Classification Process June 2021. Collection method: clinical testing. Allele origin: germline. Affected: yes.
Comment: Not observed in large population cohorts (Lek et al., 2016); In silico analysis, which includes protein predictors and evolutionary conservation, supports a deleterious effect; Has not been previously published as pathogenic or benign to our knowledge